The following is an entry in ClinVar:

NM_000051.4(ATM):c.4258_4259del (p.Leu1420fs)

Gene: ATM (ATM serine/threonine kinase; plus strand). Cytogenetic location: 11q22.3.
Variant type: Deletion.
Coding change: c.4258_4259del on transcript NM_000051.4 (MANE Select); coding-DNA positions 4258 to 4259, 2 bases deleted (CT; older notation c.4258_4259delCT).
Protein change: p.Leu1420fs; shifts the reading frame from leucine 1420.
Molecular consequence: frameshift variant.
Genome position (GRCh38, 1-based): chr11:108,289,623-108,289,624, CT deleted; deleting any 2 consecutive bases within chr11:108,289,622-108,289,624 gives the same sequence; the c. name uses the placement nearest the transcript's 3' end. VCF-style (leftmost placement, unchanged base first): chr11-108289621-TTC-T. GRCh37 (hg19) VCF-style: chr11-108160348-TTC-T.
Other names: c.4258_4259del, p.Leu1420fs (NM_001351834.2); short protein forms L1420fs.
Identifiers: ClinVar variation 3148581 (VCV003148581.1), dbSNP rs2546908635, ClinGen allele CA2825001844.

ClinVar aggregate classification (germline): Pathogenic (1 of 4 stars; one submission).

Conditions:
Familial cancer of breast. Also called: BREAST CANCER, FAMILIAL; Hereditary breast cancer; hereditary breast carcinoma. Identifiers: Orphanet 227535, MedGen C0346153, MONDO:0016419, OMIM 114480. Disease mechanism: loss of function.

Submission:

Myriad Genetics, Inc.
Classification: Pathogenic for Familial cancer of breast. Last evaluated: 2024-01-23. Review status: criteria provided, single submitter. Criteria: Myriad Autosomal Dominant, Autosomal Recessive and X-Linked Classification Criteria (2023). Collection method: clinical testing. Allele origin: unknown.
Comment: This variant is considered pathogenic. This variant creates a frameshift predicted to result in premature protein truncation.